The following is an entry in ClinVar:

ClinVar aggregate classification (germline): Likely benign (1 of 4 stars; one submission).

Submission:

CeGaT Center for Human Genetics Tuebingen
Classification: Likely benign. Last evaluated: 2026-07-01. Review status: criteria provided, single submitter. Criteria: CeGaT Center For Human Genetics Tuebingen Variant Classification Criteria Version 2. Collection method: clinical testing. Allele origin: germline. Affected: yes. Observed: 2 variant alleles.
Comment: ZBTB47: BS1

NM_145166.4(ZBTB47):c.951GGA[2] (p.Glu319del)

Gene: ZBTB47 (zinc finger and BTB domain containing 47; plus strand). Cytogenetic location: 3p22.1.
Variant type: Microsatellite.
Coding change: c.951GGA[2] on transcript NM_145166.4 (MANE Select); two copies in a row of the 3-base unit GGA starting at c.951; the reference has three copies in a row; one copy, 3 bases deleted.
Protein change: p.Glu319del; deletes glutamic acid 319.
Molecular consequence: inframe deletion.
Genome position (GRCh38, 1-based): chr3:42,659,312-42,659,314, GGA deleted; deleting any 3 consecutive bases within chr3:42,659,304-42,659,314 gives the same sequence; the position shown is the placement nearest the transcript's 3' end. VCF-style (leftmost placement, unchanged base first): chr3-42659303-AGAG-A. GRCh37 (hg19) VCF-style: chr3-42700795-AGAG-A.
Other names: c.1035GGA[2], p.Glu347del (NM_001410746.1); short protein forms E319del, E347del.
Identifiers: ClinVar variation 4821194 (VCV004821194.4).